The following is an entry in ClinVar:

NM_012330.4(KAT6B):c.4435G>A (p.Val1479Ile)

Gene: KAT6B (lysine acetyltransferase 6B; plus strand). Cytogenetic location: 10q22.2.
Variant type: single nucleotide variant.
Coding change: c.4435G>A on transcript NM_012330.4 (MANE Select); coding-DNA position 4435, G replaced by A.
Protein change: p.Val1479Ile; replaces valine 1479 with isoleucine.
Molecular consequence: missense variant.
Genome position (GRCh38, 1-based): chr10:75,029,259, G>A. VCF-style: chr10-75029259-G-A. GRCh37 (hg19) VCF-style: chr10-76789017-G-A.
Other names: c.3559G>A, p.Val1187Ile (NM_001370140.1, NM_001370141.1, NM_001370142.1 and 2 more transcripts); c.3370G>A, p.Val1124Ile (NM_001370143.1, NM_001370144.1); c.3886G>A, p.Val1296Ile (NM_001256468.2, NM_001370138.1); c.3397G>A, p.Val1133Ile (NM_001370132.1); c.2746G>A, p.Val916Ile (NM_001370133.1); c.2350G>A, p.Val784Ile (NM_001370134.1); c.2092G>A, p.Val698Ile (NM_001370135.1); c.4435G>A, p.Val1479Ile (NM_001370136.1, NM_001370137.1); short protein forms V1124I, V1133I, V1187I, V1296I, V1479I, V698I, V784I, V916I.
Identifiers: ClinVar variation 1215828 (VCV001215828.9), dbSNP rs775255115, ClinGen allele CA5565033.
Genomic context (GRCh38, chr10:75,029,259, plus strand): 5'-TTTTTAGACCTTAATGTGCAGCCTGGTCACTCGAACCCAGAGGTCTTAATGGACTGTGGC[G>A]TCGACCTGACAGCTTCTTGTAACAGTGAGCCCAAGGAGCTTGCTGGGGACCCTGAAGCTG-3'
Protein context (NP_036462.2, residues 1469-1489): SNPEVLMDCG[Val1479Ile]DLTASCNSEP

ClinVar aggregate classification (germline): Benign/Likely benign. Review status: criteria provided, multiple submitters, no conflicts (2 of 4 stars). 2 submissions from 2 submitters: Benign (1); Likely benign (1). Last evaluated 2025-12-13.

Conditions:
Genitopatellar syndrome (GTPTS). Also called: Genitopatellar syndrome (GPS); ABSENT PATELLAE, SCROTAL HYPOPLASIA, RENAL ANOMALIES, FACIAL DYSMORPHISM, AND MENTAL RETARDATION. Identifiers: Orphanet 85201, MedGen C1853566, MONDO:0011640, OMIM 606170.

Allele frequency attached by ClinVar (database versions not stated): gnomAD 0.00001; gnomAD exomes 0.00002 and 0.00003; TOPMed 0.00002; ExAC 0.00004.
gnomAD v4.1: 32 of 1,613,994 alleles (0.002%); highest among the groups gnomAD compares: Admixed American, 0.0067%; no homozygotes.

Submissions (2):

Labcorp Genetics (formerly Invitae), Labcorp
Classification: Benign for Genitopatellar syndrome. Last evaluated: 2025-12-13. Review status: criteria provided, single submitter. Criteria: Invitae Variant Classification Sherloc (09022015). Collection method: clinical testing. Allele origin: germline.

GeneDx
Classification: Likely benign. Last evaluated: 2021-03-09. Review status: criteria provided, single submitter. Criteria: GeneDx Variant Classification Process June 2021. Collection method: clinical testing. Allele origin: germline. Affected: yes.
Comment: Has not been previously published as pathogenic or benign to our knowledge